The following is an entry in ClinVar:

ClinVar aggregate classification (germline): Likely benign (1 of 4 stars; one submission).

Conditions:
Vitamin K-dependent clotting factors, combined deficiency of, type 1. Also called: FACTORS II, VII, IX, AND X, COMBINED DEFICIENCY OF; FAMILIAL MULTIPLE COAGULATION FACTOR DEFICIENCY III; FMFD III; GLUTAMIC ACID, DEFICIENT GAMMA-CARBOXYLATION OF; MULTIPLE COAGULATION FACTOR DEFICIENCY III; VITAMIN K-DEPENDENT COAGULATION DEFECT. Identifiers: Orphanet 98434, MedGen C1848534, MONDO:0010187, OMIM 277450.

Allele frequency attached by ClinVar (database versions not stated): gnomAD 0.00007 and 0.00012; TOPMed 0.00013; 1000 Genomes Project 0.00060; 1000 Genomes Project 30x 0.00062.

Submission:

Illumina Laboratory Services, Illumina
Classification: Likely benign for Vitamin K-dependent clotting factors, combined deficiency of, type 1. Last evaluated: 2018-01-12. Review status: criteria provided, single submitter. Criteria: ICSL Variant Classification Criteria 13 December 2019. Collection method: clinical testing. Allele origin: germline.
Comment: This variant was observed in the ICSL laboratory as part of a predisposition screen in an ostensibly healthy population. It had not been previously curated by ICSL or reported in the Human Gene Mutation Database (HGMD: prior to June 1st, 2018), and was therefore a candidate for classification through an automated scoring system. Utilizing variant allele frequency, disease prevalence and penetrance estimates, and inheritance mode, an automated score was calculated to assess if this variant is too frequent to cause the disease. Based on the score and internal cut-off values, a variant classified as likely benign is not then subjected to further curation. The score for this variant resulted in a classification of likely benign for this disease.

NM_000821.7(GGCX):c.*2822C>T

Gene: GGCX (gamma-glutamyl carboxylase; minus strand). Cytogenetic location: 2p11.2.
Variant type: single nucleotide variant.
Coding change: c.*2822C>T on transcript NM_000821.7 (MANE Select); 2822 bases downstream of the stop codon, C replaced by T.
Molecular consequence: 3 prime UTR variant.
Genome position (GRCh38, 1-based): chr2:85,547,112, G>A on the plus strand (C>T on the coding strand, the complement: GGCX is on the minus strand). VCF-style: chr2-85547112-G-A. GRCh37 (hg19) VCF-style: chr2-85774235-G-A.
Other names: c.*2822C>T (NM_001142269.4).
Identifiers: ClinVar variation 337213 (VCV000337213.5), dbSNP rs190959810, ClinGen allele CA10614508.